The following is an entry in ClinVar:

NM_004171.4(SLC1A2):c.1295C>A (p.Ala432Asp)

Gene: SLC1A2 (solute carrier family 1 member 2; minus strand). Cytogenetic location: 11p13.
Variant type: single nucleotide variant.
Coding change: c.1295C>A on transcript NM_004171.4 (MANE Select); coding-DNA position 1295, C replaced by A.
Protein change: p.Ala432Asp; replaces alanine 432 with aspartic acid.
Molecular consequence: missense variant.
Genome position (GRCh38, 1-based): chr11:35,280,993, G>T on the plus strand (C>A on the coding strand, the complement: SLC1A2 is on the minus strand). VCF-style: chr11-35280993-G-T. GRCh37 (hg19) VCF-style: chr11-35302540-G-T.
Other names: c.1268C>A, p.Ala423Asp (NM_001195728.3, NM_001252652.2); short protein forms A423D, A432D.
Identifiers: ClinVar variation 2504084 (VCV002504084.2), dbSNP rs2497707947, ClinGen allele CA380121844.
Genomic context (GRCh38, chr11:35,280,993, plus strand): 5'-AGGAGCATGGTGACCAGCCCGGCACTGGGGATACTGGCCGCGCCGACGCTTGCCAGGGTG[G>T]CTGTGAGGCTATGAGAACAGAGAAGTTCAGGTCATGGAAATGGAAAGAATCTTAGCAAAA-3'
Protein context (NP_004162.2, residues 422-442): GGQIVTVSLT[Ala432Asp]TLASVGAASI

ClinVar aggregate classification (germline): Uncertain significance (1 of 4 stars; one submission).

Conditions:
Developmental and epileptic encephalopathy, 41 (DEE41). Also called: Epileptic encephalopathy, early infantile, 41. Identifiers: MedGen C4310717, MONDO:0014916, OMIM 617105.

gnomAD v4.1: 1 of 1,608,166 alleles (0.000062%); highest among the groups gnomAD compares: East Asian, 0.0023%; no homozygotes.

Submission:

Neurogenetics, Research Centre for Medical Genetics
Classification: Uncertain significance for Developmental and epileptic encephalopathy, 41. Last evaluated: 2023-06-02. Review status: criteria provided, single submitter. Criteria: ACMG Guidelines, 2015. Collection method: clinical testing. Allele origin: unknown. Inheritance: Autosomal dominant inheritance. Affected: yes. Observed: 1 heterozygote.
Comment: Confirmation of Angelman syndrome was achieved through methylation analysis and CNV analysis, which revealed a deletion at position hg19 chr15:23684685_28197044. Unfortunately, segregation analysis could not be performed due to the unavailability of family samples.